The following continues an entry in ClinVar:

NM_000400.4(ERCC2):c.1847G>C (p.Arg616Pro)

Gene: ERCC2. ClinVar aggregate classification (germline): Pathogenic. Pathogenic (15).

Submissions 10 to 15 of 15:

Ambry Genetics
Classification: Pathogenic for Inborn genetic diseases. Last evaluated: 2021-11-29. Review status: criteria provided, single submitter. Criteria: Ambry Variant Classification Scheme 2023. Collection method: clinical testing. Allele origin: germline.
Comment: The c.1847G>C (p.R616P) alteration is located in exon 20 (coding exon 20) of the ERCC2 gene. This alteration results from a G to C substitution at nucleotide position 1847, causing the arginine (R) at amino acid position 616 to be replaced by a proline (P). Based on data from gnomAD, the C allele has an overall frequency of 0.01% (41/282052) total alleles studied. The highest observed frequency was 0.04% (3/7206) of Other alleles. In addition, multiple individuals affected with ERCC2-related disorders have been described with p.R616P and a second pathogenic mutation (Takayama, 1996, Taylor, 1997, Sch&auml;fer, 2013; Calmels, 2016; Lai, 2013; Fassihi, 2016). This amino acid position is highly conserved in available vertebrate species. In vitro studies of the homolog rad15 suggests this mutation is a null allele when it was observed that this mutation could not restore cell viability when compound heterozygous with a deletion mutation (Taylor, 1997). This alteration is predicted to be deleterious by in silico analysis. Based on the available evidence, this alteration is classified as pathogenic.

Sema4
Classification: Pathogenic for Xeroderma pigmentosum. Last evaluated: 2021-05-21. Review status: criteria provided, single submitter. Criteria: Sema4 Curation Guidelines. Collection method: curation. Allele origin: germline.
Comment: The ERCC2 c.1847G>C (p.R616P) variant has been reported in 7 individuals with ovarian cancer, hepatocellular carcinoma, prostate cancer, and colorectal cancer (PMIDs 24448499, 26556299, 29478780), and 3 individuals with trichothiodystrophy and xeroderma pigmentosum (PMIDs 9238033, 7920640, 23221806). This variant was observed in 34/128592 chromosomes in the Non-Finnish European subpopulation according to the Genome Aggregation Database (PMID: 32461654). This variant has been reported in ClinVar (Variation ID: 329508). In silico tools suggest the impact of the variant on protein function is deleterious. These predictions have been confirmed by functional studies as this variant does not rescue lethality in yeast (PMID 9238033) and abolishes basal transcription (PMID 12820975). A different likely pathogenic missense change at this codon, c.1847G>A (p.R616Q), has been reported in individuals affected with xeroderma pigmentosum (PMID: 22826098, 7585650, 26884178, 23800062). Based on the current evidence available, this variant is interpreted as pathogenic.

Women's Health and Genetics/Laboratory Corporation of America, LabCorp
Classification: Pathogenic for Xeroderma pigmentosum. Last evaluated: 2020-05-28. Review status: criteria provided, single submitter. Criteria: LabCorp Variant Classification Summary - May 2015. Collection method: clinical testing. Allele origin: germline.
Comment: Variant summary: ERCC2 c.1847G>C (p.Arg616Pro) results in a non-conservative amino acid change located in the ATP-dependent helicase, C-terminal of the encoded protein sequence. Five of five in-silico tools predict a damaging effect of the variant on protein function. The variant allele was found at a frequency of 0.00015 in 250892 control chromosomes. This frequency is not significantly higher than expected for a pathogenic variant in ERCC2 causing Xeroderma Pigmentosum (0.00015 vs 0.00061), allowing no conclusion about variant significance. c.1847G>C has been reported in the literature in individuals affected with Xeroderma Pigmentosum and Trichothiodystrophy (Taylor_1997, Broughton_1994, Orioli_2013, Schafer_2013, Takayama_1996). These data indicate that the variant is likely to be associated with disease. Experimental studies have shown that the variant completely abolished basal transcription, failed to restore viability, and abolished more than 80% of excision repair activity (Dubaele_2003, Taylor_1997, Broughton_1994). Four clinical diagnostic laboratories have submitted clinical-significance assessments for this variant to ClinVar after 2014 without evidence for independent evaluation. All laboratories classified the variant as pathogenic. Based on the evidence outlined above, the variant was classified as pathogenic.

Revvity Omics, Revvity
Classification: Pathogenic. Last evaluated: 2019-09-19. Review status: criteria provided, single submitter. Criteria: ACMG Guidelines, 2015. Collection method: clinical testing. Allele origin: germline.

Laboratory for Molecular Medicine, Mass General Brigham Personalized Medicine
Classification: Pathogenic for Xeroderma pigmentosum. Last evaluated: 2019-05-24. Review status: criteria provided, single submitter. Criteria: LMM Criteria. Collection method: clinical testing. Allele origin: germline. Inheritance: Autosomal recessive inheritance. Observed: 1 variant allele.
Comment: The p.Arg616Pro variant in ERCC2 has been reported in the compound heterozygous state in 1 individual with trichothiodystrophy, 7 individuals with xeroderma pigmentosum, and 1 individual with Cockayne syndrome (Broughton 1994, Taylor 1997, Lai 2013, Schafer 2013, Calmels 2016). Additionally, the variant was identified in the compound heterozygous state in a sibling affected with learning disability and mild photosensitivity (Calmels 2016). The p.Arg616Pro variant has also been identified in 0.026% (34/128592) of European chromosomes by gnomAD; however, this frequency is low enough to be consistent with a recessive carrier frequency. This variant has been reported as Pathogenic and Likely Pathogenic in ClinVar (Variation ID 329508). In vitro functional studies support an impact on protein function (Taylor 1997, Queille 2001, Dubaele 2003). Computational prediction tools and conservation analyses also support that this variant may impact the protein. Finally, several other amino acid changes at the same position (p.Arg616Gln, p.Arg6161Gly, p.Arg616Trp) have been reported in individuals affected with ERCC2-related disorders. In summary, the p.Arg616Pro variant meets criteria to be classified as pathogenic for autosomal recessive xeroderma pigmentosum. ACMG/AMP criteria applied: PM3_Strong, PM5, PS3_Moderate, PM2_Supporting, PP1, PP3.

Illumina Laboratory Services, Illumina
Classification: Pathogenic for Xeroderma pigmentosum, group D. Last evaluated: 2017-04-27. Review status: criteria provided, single submitter. Criteria: ICSL Variant Classification Criteria 09 May 2019. Collection method: clinical testing. Allele origin: germline.
Comment: The ERCC2 c.1847G>C (p.Arg616Pro) variant was identified in a total of 11 compound heterozygotes, including nine exhibiting a xeroderma pigmentosum (XP) phenotype, one with an XP/Cockayne syndrome phenotype, and one with trichothiodystrophy (Taylor et al. 1997; Emmert et al. 2009; Shafer et al. 2013; Lai et al. 2013; Calmels et al. 2016). Control data are unavailable for this variant, which is reported at a frequency of 0.00021 in the European (non-Finnish) population of the Exome Aggregation Consortium. Taylor et al. (1997) demonstrated that the p.Arg616Pro variant was unable to rescue lethality in a yeast complementation assay. When compared to control cell lines exposed to UV, fibroblasts from individuals carrying the p.Arg616Pro variant showed greater levels of apoptosis (Quielle et al. 2001) and reduced nucleotide excision repair capacity (Shafer et al. 2013), and the variant was noted to completely abolish basal transcription (Dubaele et al. 2003). Based on the collective evidence, the p.Arg616Pro variant is classified as pathogenic for xeroderma pigmentosum. This variant was observed by ICSL as part of a predisposition screen in an ostensibly healthy population.

Literature cited by the submitters: PubMed 23221806 (cited by 4 submitters); PubMed 27004399 (cited by 4 submitters); PubMed 9238033 (cited by 7 submitters); PubMed 33976420 (cited by Dasa); PubMed 12820975 (cited by 7 submitters); PubMed 7920640 (cited by 4 submitters); PubMed 11734544 (cited by Labcorp Genetics (formerly Invitae), Labcorp); PubMed 23800062 (cited by 6 submitters); PubMed 11443545 (cited by Labcorp Genetics (formerly Invitae), Labcorp); PubMed 22234153 (cited by Labcorp Genetics (formerly Invitae), Labcorp); PubMed 27396511 (cited by Labcorp Genetics (formerly Invitae), Labcorp); PubMed 8571952 (cited by Ambry Genetics and Women's Health and Genetics/Laboratory Corporation of America, LabCorp); PubMed 11710928 (cited by 3 submitters); PubMed 24252196 (cited by 3 submitters); PubMed 26884178 (cited by Ambry Genetics and Sema4); PubMed 22826098 (cited by Sema4 and Laboratory for Molecular Medicine, Mass General Brigham Personalized Medicine); PubMed 7585650 (cited by Sema4); PubMed 26556299 (cited by Laboratory for Molecular Medicine, Mass General Brigham Personalized Medicine); PubMed 29478780 (cited by Laboratory for Molecular Medicine, Mass General Brigham Personalized Medicine); PubMed 24448499 (cited by Laboratory for Molecular Medicine, Mass General Brigham Personalized Medicine); PubMed 18637129 (cited by Laboratory for Molecular Medicine, Mass General Brigham Personalized Medicine and Illumina Laboratory Services, Illumina).